The following is an entry in ClinVar:

NM_001164462.2(MUC12):c.14181C>T (p.Ser4727=)

Gene: MUC12 (mucin 12, cell surface associated; plus strand). Cytogenetic location: 7q22.1.
Variant type: single nucleotide variant.
Coding change: c.14181C>T on transcript NM_001164462.2 (MANE Select); coding-DNA position 14181, C replaced by T.
Protein change: p.Ser4727=; no amino-acid change (serine 4727 retained).
Molecular consequence: synonymous variant.
Genome position (GRCh38, 1-based): chr7:101,004,744, C>T. VCF-style: chr7-101004744-C-T. GRCh37 (hg19) VCF-style: chr7-100648025-C-T.
Identifiers: ClinVar variation 2657828 (VCV002657828.24), dbSNP rs201574648, ClinGen allele CA4400456.

ClinVar aggregate classification (germline): Likely benign (1 of 4 stars; one submission).

Allele frequency attached by ClinVar (database versions not stated): ESP Exome Variant Server 0.00066; 1000 Genomes Project 30x 0.00078; 1000 Genomes Project 0.00080; ExAC 0.00084.

Submission:

CeGaT Center for Human Genetics Tuebingen
Classification: Likely benign. Last evaluated: 2023-08-01. Review status: criteria provided, single submitter. Criteria: CeGaT Center For Human Genetics Tuebingen Variant Classification Criteria Version 2. Collection method: clinical testing. Allele origin: germline. Affected: yes. Observed: 5 variant alleles.
Comment: MUC12: BP4, BP7